The following is an entry in ClinVar:

NM_000195.5(HPS1):c.1995C>A (p.Tyr665Ter)

Gene: HPS1 (HPS1 biogenesis of lysosomal organelles complex 3 subunit 1; minus strand). Cytogenetic location: 10q24.2.
Variant type: single nucleotide variant.
Coding change: c.1995C>A on transcript NM_000195.5 (MANE Select); coding-DNA position 1995, C replaced by A.
Protein change: p.Tyr665Ter; replaces tyrosine 665 with a stop codon.
Molecular consequence: nonsense.
Genome position (GRCh38, 1-based): chr10:98,417,672, G>T on the plus strand (C>A on the coding strand, the complement: HPS1 is on the minus strand). VCF-style: chr10-98417672-G-T. GRCh37 (hg19) VCF-style: chr10-100177429-G-T.
Other names: c.1023C>A, p.Tyr341Ter (NM_001311345.2, NM_001322487.2, NM_001322489.2); c.1995C>A, p.Tyr665Ter (NM_001322476.2, NM_001322477.2); c.1896C>A, p.Tyr632Ter (NM_001322478.2, NM_001322479.2); c.1734C>A, p.Tyr578Ter (NM_001322480.2, NM_001322481.2); c.1635C>A, p.Tyr545Ter (NM_001322482.2); c.1626C>A, p.Tyr542Ter (NM_001322483.2, NM_001322484.2); c.1527C>A, p.Tyr509Ter (NM_001322485.2); short protein forms Y341*, Y509*, Y542*, Y545*, Y578*, Y632*, Y665*.
Identifiers: ClinVar variation 4069438 (VCV004069438.2).
Genomic context (GRCh38, chr10:98,417,672, plus strand): 5'-GCCGGCCTGCTGCACCAGCAGGTCAGTGGGGATGACAGACAGGTGCAGGGCCAGCAGCTC[G>T]TAGCACCTGACAGCCTCGGTTGGGCGGTTCTTGCTGTAGTAGCGCAGGAGCTTCCTGGGG-3'

ClinVar aggregate classification (germline): Likely pathogenic (1 of 4 stars; one submission).

Conditions:
Hermansky-Pudlak syndrome (HPS). Also called: ALBINISM WITH HEMORRHAGIC DIATHESIS AND PIGMENTED RETICULOENDOTHELIAL CELLS. Identifiers: Orphanet 79430, MedGen C0079504, MONDO:0019312.

Submission:

Natera, Inc.
Classification: Likely pathogenic for Hermansky-Pudlak syndrome. Last evaluated: 2025-01-09. Review status: criteria provided, single submitter. Criteria: Natera Variant Classification Schema (03/2026). Collection method: clinical testing. Allele origin: germline.
Comment: The c.1995C>A variant in HPS1 is a nonsense variant predicted to introduce a stop codon at amino acid 665. This variant is expected to result in nonsense mediated decay, truncation, or a dysfunctional protein product. This variant is rare in the general population with a frequency below the threshold expected for the associated phenotype(s). Given the available evidence, this variant is classified as Likely Pathogenic.